The following is an entry in ClinVar:

NM_004385.5(VCAN):c.5839C>G (p.Pro1947Ala)

Genes: VCAN (versican; plus strand), VCAN-AS1 (VCAN antisense RNA 1; minus strand). Cytogenetic location: 5q14.3.
Variant type: single nucleotide variant.
Coding change: c.5839C>G on transcript NM_004385.5 (MANE Select); coding-DNA position 5839, C replaced by G.
Protein change: p.Pro1947Ala; replaces proline 1947 with alanine.
Molecular consequence: missense variant. On other transcripts: intron variant (2).
Genome position (GRCh38, 1-based): chr5:83,538,842, C>G. VCF-style: chr5-83538842-C-G. GRCh37 (hg19) VCF-style: chr5-82834661-C-G.
Other names: c.2878C>G, p.Pro960Ala (NM_001164097.2); c.4004-6695C>G (NM_001164098.2); c.1043-6695C>G (NM_001126336.3); short protein forms P1947A, P960A.
Identifiers: ClinVar variation 4701156 (VCV004701156.1).
Genomic context (GRCh38, chr5:83,538,842, plus strand): 5'-GGTTTTCCTTTGGAGGAAGATTTCAGTGGTGACTTTAGAGAATACTCAACAGTGTCTCAT[C>G]CCATAGCAAAAGAAGAAACGGTAATGATGGAAGGCTCTGGAGATGCAGCATTTAGGGACA-3'
Protein context (NP_004376.2, residues 1937-1957): DFREYSTVSH[Pro1947Ala]IAKEETVMME

ClinVar aggregate classification (germline): Uncertain significance (1 of 4 stars; one submission).

gnomAD v4.1: 10 of 1,613,892 alleles (0.00062%); highest among the groups gnomAD compares: Non-Finnish European, 0.00076%; no homozygotes.

Submission:

Labcorp Genetics (formerly Invitae), Labcorp
Classification: Uncertain significance. Last evaluated: 2026-02-01. Review status: criteria provided, single submitter. Criteria: Invitae Variant Classification Sherloc (09022015). Collection method: clinical testing. Allele origin: germline.
Comment: This sequence change replaces proline, which is neutral and non-polar, with alanine, which is neutral and non-polar, at codon 1947 of the VCAN protein (p.Pro1947Ala). This variant is present in population databases (no rsID available, gnomAD 0.01%). This variant has not been reported in the literature in individuals affected with VCAN-related conditions. An algorithm developed to predict the effect of missense changes on protein structure and function (PolyPhen-2) suggests that this variant is likely to be tolerated. In summary, the available evidence is currently insufficient to determine the role of this variant in disease. Therefore, it has been classified as a Variant of Uncertain Significance.